The following is an entry in ClinVar:

ClinVar aggregate classification (germline): Conflicting classifications of pathogenicity. Review status: criteria provided, conflicting classifications (1 of 4 stars). 4 submissions from 4 submitters: Pathogenic (1); Likely pathogenic (2); Uncertain significance (1). Last evaluated 2026-03-10.

Conditions:
ABCA4-related disorder. Also called: ABCA4-related disorders; ABCA4-related condition. Identifiers: MedGen CN239167.

Allele frequency attached by ClinVar (database versions not stated): gnomAD exomes below 0.00001 and 0.00002; ExAC 0.00001; gnomAD 0.00001; TOPMed 0.00001.
gnomAD v4.1: 36 of 1,614,072 alleles (0.0022%); highest among the groups gnomAD compares: Non-Finnish European, 0.003%; no homozygotes.

Submissions (4):

Dasa
Classification: Uncertain significance. Last evaluated: 2026-03-10. Review status: criteria provided, single submitter. Criteria: DASA Assertion Criteria. Collection method: clinical testing. Allele origin: germline.
Comment: NM_000350.3(ABCA4):c.3094G>C (p.Gly1032Arg) is a missense variant that results in the substitution of glycine with arginine. The affected residue or protein region has prior evidence supporting clinical relevance. This variant is rare in population databases. Computational prediction algorithms are consistent with a deleterious effect. The currently available literature and clinical evidence are not sufficient to establish a definitive association between this variant and the reported condition. Therefore, this variant is classified as a variant of uncertain significance.

GeneDx
Classification: Likely pathogenic. Last evaluated: 2025-05-12. Review status: criteria provided, single submitter. Criteria: GeneDx Variant Classification Process June 2021. Collection method: clinical testing. Allele origin: germline. Affected: yes.
Comment: Not observed at significant frequency in large population cohorts (gnomAD); In silico analysis supports that this missense variant has a deleterious effect on protein structure/function; Has not been previously published as pathogenic or benign to our knowledge

Labcorp Genetics (formerly Invitae), Labcorp
Classification: Pathogenic. Last evaluated: 2024-03-12. Review status: criteria provided, single submitter. Criteria: Invitae Variant Classification Sherloc (09022015). Collection method: clinical testing. Allele origin: germline.
Comment: This sequence change replaces glycine, which is neutral and non-polar, with arginine, which is basic and polar, at codon 1032 of the ABCA4 protein (p.Gly1032Arg). This variant is present in population databases (rs771495707, gnomAD 0.0009%). This missense change has been observed in individual(s) with Stargardt disease (Invitae). In at least one individual the data is consistent with being in trans (on the opposite chromosome) from a pathogenic variant. ClinVar contains an entry for this variant (Variation ID: 1503129). Advanced modeling of protein sequence and biophysical properties (such as structural, functional, and spatial information, amino acid conservation, physicochemical variation, residue mobility, and thermodynamic stability) performed at Invitae indicates that this missense variant is expected to disrupt ABCA4 protein function with a positive predictive value of 95%. For these reasons, this variant has been classified as Pathogenic.

Blueprint Genetics
Classification: Likely pathogenic for ABCA4-related disorders. Last evaluated: 2023-08-04. Review status: criteria provided, single submitter. Criteria: ACMG Guidelines, 2015. Collection method: clinical testing. Allele origin: germline. Affected: yes. Observed: 2 variant alleles.

NM_000350.3(ABCA4):c.3094G>C (p.Gly1032Arg)

Gene: ABCA4 (ATP binding cassette subfamily A member 4; minus strand). Cytogenetic location: 1p22.1.
Variant type: single nucleotide variant.
Coding change: c.3094G>C on transcript NM_000350.3 (MANE Select); coding-DNA position 3094, G replaced by C.
Protein change: p.Gly1032Arg; replaces glycine 1032 with arginine.
Molecular consequence: missense variant.
Genome position (GRCh38, 1-based): chr1:94,043,432, C>G on the plus strand (G>C on the coding strand, the complement: ABCA4 is on the minus strand). VCF-style: chr1-94043432-C-G. GRCh37 (hg19) VCF-style: chr1-94508988-C-G.
Other names: c.2872G>C, p.Gly958Arg (NM_001425324.1); c.3094G>C (NM_000350.2); short protein forms G1032R, G958R.
Identifiers: ClinVar variation 1503129 (VCV001503129.10), dbSNP rs771495707, ClinGen allele CA958047.
Genomic context (GRCh38, chr1:94,043,432, plus strand): 5'-GGAGGCCTGTGTCCTCCAACATGGCTTCCATCTCCAGCTGGGCCTCCTCCTGGGACTTTC[C>G]TTTCAGCTGGGCATAGAACAGCATGTGCTCAGCCACCGTGAGGCTAGGAGGATGGGACAA-3'
Protein context (NP_000341.2, residues 1022-1042): EHMLFYAQLK[Gly1032Arg]KSQEEAQLEM